The following is an entry in ClinVar:

ClinVar aggregate classification (germline): Uncertain significance. Review status: criteria provided, multiple submitters, no conflicts (2 of 4 stars). 2 submissions from 2 submitters: Uncertain significance (2). Last evaluated 2025-07-29.

Conditions:
Inborn genetic diseases. Identifiers: MedGen C0950123, MeSH D030342.
Baller-Gerold syndrome (BGS). Also called: CRANIOSYNOSTOSIS WITH RADIAL DEFECTS. Identifiers: Orphanet 1225, MedGen C0265308, MONDO:0009039, OMIM 218600.

Allele frequency attached by ClinVar (database versions not stated): TOPMed below 0.00001.
gnomAD v4.1: 5 of 1,613,194 alleles (0.00031%); highest among the groups gnomAD compares: East Asian, 0.0022%; no homozygotes.

Submissions (2):

Ambry Genetics
Classification: Uncertain significance for Inborn genetic diseases. Last evaluated: 2025-07-29. Review status: criteria provided, single submitter. Criteria: Ambry Variant Classification Scheme 2023. Collection method: clinical testing. Allele origin: germline.

Labcorp Genetics (formerly Invitae), Labcorp
Classification: Uncertain significance for Baller-Gerold syndrome. Last evaluated: 2025-04-24. Review status: criteria provided, single submitter. Criteria: Invitae Variant Classification Sherloc (09022015). Collection method: clinical testing. Allele origin: germline.
Comment: This sequence change replaces glycine, which is neutral and non-polar, with arginine, which is basic and polar, at codon 300 of the RECQL4 protein (p.Gly300Arg). This variant is not present in population databases (gnomAD no frequency). This variant has not been reported in the literature in individuals affected with RECQL4-related conditions. ClinVar contains an entry for this variant (Variation ID: 841629). Invitae Evidence Modeling of protein sequence and biophysical properties (such as structural, functional, and spatial information, amino acid conservation, physicochemical variation, residue mobility, and thermodynamic stability) indicates that this missense variant is not expected to disrupt RECQL4 protein function with a negative predictive value of 80%. In summary, the available evidence is currently insufficient to determine the role of this variant in disease. Therefore, it has been classified as a Variant of Uncertain Significance.

NM_004260.4(RECQL4):c.898G>A (p.Gly300Arg)

Gene: RECQL4 (RecQ like helicase 4; minus strand). Cytogenetic location: 8q24.3.
Variant type: single nucleotide variant.
Coding change: c.898G>A on transcript NM_004260.4 (MANE Select); coding-DNA position 898, G replaced by A.
Protein change: p.Gly300Arg; replaces glycine 300 with arginine.
Molecular consequence: missense variant.
Genome position (GRCh38, 1-based): chr8:144,516,221, C>T on the plus strand (G>A on the coding strand, the complement: RECQL4 is on the minus strand). VCF-style: chr8-144516221-C-T. GRCh37 (hg19) VCF-style: chr8-145741605-C-T.
Other names: short protein forms G300R.
Identifiers: ClinVar variation 841629 (VCV000841629.8), dbSNP rs764510816, ClinGen allele CA372688731.